The following is an entry in ClinVar:

NM_001077350.3(NPRL3):c.1348C>T (p.Pro450Ser)

Genes: HBA-LCR (alpha-globin locus control region; plus strand), NPRL3 (NPR3 like, GATOR1 complex subunit; minus strand). Cytogenetic location: 16p13.3.
Variant type: single nucleotide variant.
Coding change: c.1348C>T on transcript NM_001077350.3 (MANE Select); coding-DNA position 1348, C replaced by T.
Protein change: p.Pro450Ser; replaces proline 450 with serine.
Molecular consequence: missense variant.
Genome position (GRCh38, 1-based): chr16:89,716, G>A on the plus strand (C>T on the coding strand, the complement: NPRL3 is on the minus strand). VCF-style: chr16-89716-G-A. GRCh37 (hg19) VCF-style: chr16-139714-G-A.
Other names: c.811C>T, p.Pro271Ser (NM_001039476.3); c.1114C>T, p.Pro372Ser (NM_001243247.2); c.1273C>T, p.Pro425Ser (NM_001243248.2, NM_001243249.2); short protein forms P271S, P372S, P425S, P450S.
Identifiers: ClinVar variation 1061922 (VCV001061922.8), dbSNP rs941137627, ClinGen allele CA276458433.
Genomic context (GRCh38, chr16:89,716, plus strand): 5'-GGATGCCACCCCCAAGCGTCTCCCCTGACTACCACAGCGGTGCCCTGGGGGTCCTACTTG[G>A]GGAGCCAAAGCTGAGGGCGTTGGGCGTGCTGAGGCTGCGACCGCCGACCCGGGCAGTGAA-3'
Protein context (NP_001070818.1, residues 440-460): STPNALSFGS[Pro450Ser]TSSDDMTLTS

ClinVar aggregate classification (germline): Uncertain significance. Review status: criteria provided, multiple submitters, no conflicts (2 of 4 stars). 2 submissions from 2 submitters: Uncertain significance (2). Last evaluated 2026-01-06.

Conditions:
Epilepsy, familial focal, with variable foci 3 (FFEVF3). Identifiers: MedGen C4310708, MONDO:0014925, OMIM 617118.

Allele frequency attached by ClinVar (database versions not stated): gnomAD exomes below 0.00001; gnomAD 0.00001; TOPMed 0.00001.
gnomAD v4.1: 3 of 1,569,726 alleles (0.00019%); highest among the groups gnomAD compares: Non-Finnish European, 0.00026%; no homozygotes.

Submissions (2):

Labcorp Genetics (formerly Invitae), Labcorp
Classification: Uncertain significance for Epilepsy, familial focal, with variable foci 3. Last evaluated: 2026-01-06. Review status: criteria provided, single submitter. Criteria: Invitae Variant Classification Sherloc (09022015). Collection method: clinical testing. Allele origin: germline.
Comment: This sequence change replaces proline, which is neutral and non-polar, with serine, which is neutral and polar, at codon 450 of the NPRL3 protein (p.Pro450Ser). The frequency data for this variant in the population databases is considered unreliable, as metrics indicate poor data quality at this position in the gnomAD database. This missense change has been observed in individual(s) with clinical features of NPRL3-related conditions (internal data). ClinVar contains an entry for this variant (Variation ID: 1061922). Invitae Evidence Modeling of protein sequence and biophysical properties (such as structural, functional, and spatial information, amino acid conservation, physicochemical variation, residue mobility, and thermodynamic stability) indicates that this missense variant is not expected to disrupt NPRL3 protein function with a negative predictive value of 80%. In summary, the available evidence is currently insufficient to determine the role of this variant in disease. Therefore, it has been classified as a Variant of Uncertain Significance.

Blueprint Genetics
Classification: Uncertain significance. Last evaluated: 2024-10-09. Review status: criteria provided, single submitter. Criteria: ACMG Guidelines, 2015. Collection method: clinical testing. Allele origin: germline.